The following is an entry in ClinVar:

ClinVar aggregate classification (germline): Uncertain significance (1 of 4 stars; one submission).

gnomAD v4.1: 3 of 1,605,596 alleles (0.00019%); highest among the groups gnomAD compares: Admixed American, 0.0017%; no homozygotes.

Submission:

Labcorp Genetics (formerly Invitae), Labcorp
Classification: Uncertain significance. Last evaluated: 2024-12-07. Review status: criteria provided, single submitter. Criteria: Invitae Variant Classification Sherloc (09022015). Collection method: clinical testing. Allele origin: germline.
Comment: This sequence change replaces proline, which is neutral and non-polar, with serine, which is neutral and polar, at codon 666 of the HYOU1 protein (p.Pro666Ser). This variant is present in population databases (no rsID available, gnomAD 0.003%). This variant has not been reported in the literature in individuals affected with HYOU1-related conditions. An algorithm developed to predict the effect of missense changes on protein structure and function (PolyPhen-2) suggests that this variant is likely to be tolerated. In summary, the available evidence is currently insufficient to determine the role of this variant in disease. Therefore, it has been classified as a Variant of Uncertain Significance.

NM_006389.5(HYOU1):c.1996C>T (p.Pro666Ser)

Gene: HYOU1 (hypoxia up-regulated 1; minus strand). Cytogenetic location: 11q23.3.
Variant type: single nucleotide variant.
Coding change: c.1996C>T on transcript NM_006389.5 (MANE Select); coding-DNA position 1996, C replaced by T.
Protein change: p.Pro666Ser; replaces proline 666 with serine.
Molecular consequence: missense variant.
Genome position (GRCh38, 1-based): chr11:119,048,883, G>A on the plus strand (C>T on the coding strand, the complement: HYOU1 is on the minus strand). VCF-style: chr11-119048883-G-A. GRCh37 (hg19) VCF-style: chr11-118919595-G-A.
Other names: c.1996C>T, p.Pro666Ser (NM_001130991.3, NM_001411041.1); short protein forms P666S.
Identifiers: ClinVar variation 3620412 (VCV003620412.2).